The following is an entry in ClinVar:

NM_007294.4(BRCA1):c.2632G>A (p.Ala878Thr)

Gene: BRCA1 (BRCA1 DNA repair associated; minus strand). Cytogenetic location: 17q21.31.
Variant type: single nucleotide variant.
Coding change: c.2632G>A on transcript NM_007294.4 (MANE Select); coding-DNA position 2632, G replaced by A.
Protein change: p.Ala878Thr; replaces alanine 878 with threonine.
Molecular consequence: missense variant. On other transcripts: intron variant (137).
Genome position (GRCh38, 1-based): chr17:43,092,899, C>T on the plus strand (G>A on the coding strand, the complement: BRCA1 is on the minus strand). VCF-style: chr17-43092899-C-T. GRCh37 (hg19) VCF-style: chr17-41244916-C-T.
Other names: c.2554G>A, p.Ala852Thr (NM_001407656.1, NM_001407657.1, NM_001407658.1 and 4 more transcripts); c.2551G>A, p.Ala851Thr (NM_001407659.1, NM_001407660.1, NM_001407661.1 and 1 more transcripts); c.2509G>A, p.Ala837Thr (NM_001407664.1, NM_001407665.1, NM_001407666.1 and 19 more transcripts); c.2506G>A, p.Ala836Thr (NM_001407670.1, NM_001407671.1, NM_001407672.1 and 11 more transcripts); c.2632G>A, p.Ala878Thr (NM_001407684.1, NM_001407854.1, NM_001407858.1 and 30 more transcripts); c.2491G>A, p.Ala831Thr (NM_001407692.1, NM_001407694.1, NM_001407695.1 and 29 more transcripts); c.2488G>A, p.Ala830Thr (NM_001407740.1, NM_001407741.1, NM_001407742.1 and 20 more transcripts); c.2419G>A, p.Ala807Thr (NM_001407853.1, NM_001407894.1, NM_001407895.1 and 9 more transcripts); and 41 more; short protein forms A878T, A831T, A751T, A766T, A789T, A807T, A852T, A750T.
Identifiers: ClinVar variation 54623 (VCV000054623.15), dbSNP rs80357230, ClinGen allele CA001726.

ClinVar aggregate classification (germline): Conflicting classifications of pathogenicity. Review status: criteria provided, conflicting classifications (1 of 4 stars). 4 submissions from 4 submitters: Uncertain significance (2); Likely benign (1). 1 of the submissions does not count toward it. Last evaluated 2024-01-22.

Conditions:
Hereditary cancer-predisposing syndrome. Also called: Tumor predisposition; Neoplastic Syndromes, Hereditary; Hereditary Cancer Syndrome; Hereditary neoplastic syndrome. Identifiers: Orphanet 140162, MedGen C0027672, MeSH D009386, MONDO:0015356.
Hereditary breast ovarian cancer syndrome. Also called: Hereditary breast and ovarian cancer syndrome (HBOC); Hereditary breast and ovarian cancer syndrome; Hereditary breast and ovarian cancer; Hereditary breast and/or ovarian cancer syndrome; Breast and ovarian cancer; BRCA1- and BRCA2-Associated Hereditary Breast and Ovarian Cancer. Identifiers: Orphanet 145, MedGen C0677776, MeSH D061325, MONDO:0003582. Disease mechanism: loss of function.
Breast-ovarian cancer, familial, susceptibility to, 1 (BROVCA1). Also called: OVARIAN CANCER, SUSCEPTIBILITY TO; BRCA1 Hereditary Breast and Ovarian Cancer. Identifiers: Orphanet 145, MedGen C2676676, MONDO:0011450, OMIM 604370. Disease mechanism: loss of function.

Submissions (4):

Color Diagnostics, LLC DBA Color Health
Classification: Uncertain significance for Hereditary cancer-predisposing syndrome. Last evaluated: 2024-01-22. Review status: criteria provided, single submitter. Criteria: ACMG Guidelines, 2015. Collection method: clinical testing. Allele origin: germline.
Comment: This missense variant replaces alanine with threonine at codon 878 of the BRCA1 protein. Computational prediction suggests that this variant may not impact protein structure and function. To our knowledge, functional studies have not been reported for this variant. This variant has not been reported in individuals affected with BRCA1-related disorders in the literature. This variant has not been identified in the general population by the Genome Aggregation Database (gnomAD). The available evidence is insufficient to determine the role of this variant in disease conclusively. Therefore, this variant is classified as a Variant of Uncertain Significance.

University of Washington Department of Laboratory Medicine, University of Washington
Classification: Likely benign for Hereditary cancer-predisposing syndrome. Last evaluated: 2023-03-23. Review status: criteria provided, single submitter. Criteria: Dines et al. (Genet Med. 2020). Collection method: curation. Allele origin: germline.
Comment: Missense variant in a coldspot region where missense variants are very unlikely to be pathogenic (PMID:31911673).

BRCA1 coldspot (exon 11 using historical exon numbering). Reclassification based on statistical prior probability

Labcorp Genetics (formerly Invitae), Labcorp
Classification: Uncertain significance for Hereditary breast ovarian cancer syndrome. Last evaluated: 2018-06-01. Review status: criteria provided, single submitter. Criteria: Invitae Variant Classification Sherloc (09022015). Collection method: clinical testing. Allele origin: germline.
Comment: In summary, the available evidence is currently insufficient to determine the role of this variant in disease. Therefore, it has been classified as a Variant of Uncertain Significance. Algorithms developed to predict the effect of missense changes on protein structure and function output the following: SIFT: "Tolerated"; PolyPhen-2: "Benign"; Align-GVGD: "Class C0". The threonine amino acid residue is found in multiple mammalian species, suggesting that this missense change does not adversely affect protein function. These predictions have not been confirmed by published functional studies and their clinical significance is uncertain. This variant has been reported in individuals in the Leiden Open-source Variation Database (PMID: 21520333) and Breast Cancer Information Core database (PMID: 10923033). ClinVar contains an entry for this variant (Variation ID: 54623). This variant is not present in population databases (ExAC no frequency). This sequence change replaces alanine with threonine at codon 878 of the BRCA1 protein (p.Ala878Thr). The alanine residue is weakly conserved and there is a small physicochemical difference between alanine and threonine.

Breast Cancer Information Core (BIC) (BRCA1)
Classification: Uncertain significance for Breast-ovarian cancer, familial 1. Last evaluated: 2004-11-25. Review status: no assertion criteria provided. Collection method: clinical testing. Allele origin: germline. Affected: yes. Observed: 1 variant allele. Not counted in ClinVar's aggregate classification.

Literature cited by the submitters: PubMed 21520333 (cited by Labcorp Genetics (formerly Invitae), Labcorp); PubMed 10923033 (cited by Labcorp Genetics (formerly Invitae), Labcorp).